The following is an entry in ClinVar:

NM_020949.3(SLC7A14):c.502C>T (p.Arg168Cys)

Genes: SLC7A14 (solute carrier family 7 member 14; minus strand), SLC7A14-AS1 (SLC7A14 antisense RNA 1; plus strand). Cytogenetic location: 3q26.2.
Variant type: single nucleotide variant.
Coding change: c.502C>T on transcript NM_020949.3 (MANE Select); coding-DNA position 502, C replaced by T.
Protein change: p.Arg168Cys; replaces arginine 168 with cysteine.
Molecular consequence: missense variant.
Genome position (GRCh38, 1-based): chr3:170,501,148, G>A on the plus strand (C>T on the coding strand, the complement: SLC7A14 is on the minus strand). VCF-style: chr3-170501148-G-A. GRCh37 (hg19) VCF-style: chr3-170218937-G-A.
Other names: c.502C>T (NM_020949.2); short protein forms R168C.
Identifiers: ClinVar variation 2966134 (VCV002966134.4), dbSNP rs770931904, ClinGen allele CA2701922.

ClinVar aggregate classification (germline): Uncertain significance. Review status: criteria provided, multiple submitters, no conflicts (2 of 4 stars). 2 submissions from 2 submitters: Uncertain significance (2). Last evaluated 2025-03-18.

Allele frequency attached by ClinVar (database versions not stated): gnomAD 0.00001; ExAC 0.00002.
gnomAD v4.1: 15 of 1,614,104 alleles (0.00093%); highest among the groups gnomAD compares: East Asian, 0.0022%; no homozygotes.

Submissions (2):

Labcorp Genetics (formerly Invitae), Labcorp
Classification: Uncertain significance. Last evaluated: 2025-03-18. Review status: criteria provided, single submitter. Criteria: Invitae Variant Classification Sherloc (09022015). Collection method: clinical testing. Allele origin: germline.
Comment: This sequence change replaces arginine, which is basic and polar, with cysteine, which is neutral and slightly polar, at codon 168 of the SLC7A14 protein (p.Arg168Cys). This variant is present in population databases (rs770931904, gnomAD 0.002%). This variant has not been reported in the literature in individuals affected with SLC7A14-related conditions. ClinVar contains an entry for this variant (Variation ID: 2966134). An algorithm developed to predict the effect of missense changes on protein structure and function (PolyPhen-2) suggests that this variant is likely to be disruptive. In summary, the available evidence is currently insufficient to determine the role of this variant in disease. Therefore, it has been classified as a Variant of Uncertain Significance.

Ambry Genetics
Classification: Uncertain significance. Last evaluated: 2024-01-31. Review status: criteria provided, single submitter. Criteria: Ambry Variant Classification Scheme 2023. Collection method: clinical testing. Allele origin: germline.